The following is an entry in ClinVar:

NM_000368.5(TSC1):c.313C>G (p.His105Asp)

Gene: TSC1 (TSC complex subunit 1; minus strand). Cytogenetic location: 9q34.13.
Variant type: single nucleotide variant.
Coding change: c.313C>G on transcript NM_000368.5 (MANE Select); coding-DNA position 313, C replaced by G.
Protein change: p.His105Asp; replaces histidine 105 with aspartic acid.
Molecular consequence: missense variant. On other transcripts: 5 prime UTR variant (18), non-coding transcript variant (5), intron variant (5).
Genome position (GRCh38, 1-based): chr9:132,925,637, G>C on the plus strand (C>G on the coding strand, the complement: TSC1 is on the minus strand). VCF-style: chr9-132925637-G-C. GRCh37 (hg19) VCF-style: chr9-135801024-G-C.
Other names: c.-51C>G (NM_001406625.1, NM_001362177.2, NM_001406617.1 and 5 more transcripts); c.-565C>G (NM_001406626.1, NM_001406627.1, NM_001406628.1); c.-707C>G (NM_001406629.1); c.-781C>G (NM_001406630.1); c.210+1564C>G (NM_001406613.1, NM_001406612.1, NM_001406610.1 and 2 more transcripts); c.313C>G, p.His105Asp (NM_001162426.2, NM_001406592.1, NM_001406593.1 and 16 more transcripts); c.-143C>G (NM_001406614.1, NM_001406616.1, NM_001406624.1); c.-176C>G (NM_001406615.1, NM_001406623.1); short protein forms H105D.
Identifiers: ClinVar variation 3329424 (VCV003329424.1).
Genomic context (GRCh38, chr9:132,925,637, plus strand): 5'-AACATCCTACCTTGAGACATTTTAGTAAAGAAGGCAAAAGAGGTGCTTGAGAGAGCTTAT[G>C]CTTCCAAGATGGCTGCAGTCTTATGACATGACCCAGTAACGAGAGGATGGATAAACGAGT-3'
Protein context (NP_000359.1, residues 95-115): HVIRLQPSWK[His105Asp]KLSQAPLLPS

ClinVar aggregate classification (germline): Uncertain significance (1 of 4 stars; one submission).

Conditions:
Hereditary cancer-predisposing syndrome. Also called: Neoplastic Syndromes, Hereditary; Tumor predisposition; Hereditary neoplastic syndrome; Hereditary Cancer Syndrome. Identifiers: Orphanet 140162, MedGen C0027672, MeSH D009386, MONDO:0015356.

Submission:

Ambry Genetics
Classification: Uncertain significance for Hereditary cancer-predisposing syndrome. Last evaluated: 2024-05-04. Review status: criteria provided, single submitter. Criteria: Ambry Variant Classification Scheme 2023. Collection method: clinical testing. Allele origin: germline.
Comment: The p.H105D variant (also known as c.313C>G), located in coding exon 3 of the TSC1 gene, results from a C to G substitution at nucleotide position 313. The histidine at codon 105 is replaced by aspartic acid, an amino acid with similar properties. This amino acid position is conserved. In addition, this alteration is predicted to be deleterious by in silico analysis. Based on the available evidence, the clinical significance of this variant remains unclear.